The following is an entry in ClinVar:

NM_015978.3(TNNI3K):c.1433A>G (p.Tyr478Cys)

Genes: TNNI3K (TNNI3 interacting kinase; plus strand), FPGT-TNNI3K (FPGT-TNNI3K readthrough; plus strand). Cytogenetic location: 1p31.1.
Variant type: single nucleotide variant.
Coding change: c.1433A>G on transcript NM_015978.3 (MANE Select); coding-DNA position 1433, A replaced by G.
Protein change: p.Tyr478Cys; replaces tyrosine 478 with cysteine.
Molecular consequence: missense variant.
Genome position (GRCh38, 1-based): chr1:74,369,225, A>G. VCF-style: chr1-74369225-A-G. GRCh37 (hg19) VCF-style: chr1-74834909-A-G.
Other names: c.1736A>G, p.Tyr579Cys (NM_001112808.3, NM_001199327.2); short protein forms Y478C, Y579C.
Identifiers: ClinVar variation 1514161 (VCV001514161.8), dbSNP rs142079513, ClinGen allele CA24544718.

ClinVar aggregate classification (germline): Uncertain significance. Review status: criteria provided, multiple submitters, no conflicts (2 of 4 stars). 2 submissions from 2 submitters: Uncertain significance (2). Last evaluated 2026-02-01.

Conditions:
Inborn genetic diseases. Identifiers: MedGen C0950123, MeSH D030342.

Allele frequency attached by ClinVar (database versions not stated): gnomAD exomes 0.00001 and 0.00005; gnomAD 0.00003 and 0.00004; TOPMed 0.00005; ESP Exome Variant Server 0.00008.
gnomAD v4.1: 85 of 1,611,796 alleles (0.0053%); highest among the groups gnomAD compares: Non-Finnish European, 0.0069%; no homozygotes.

Submissions (2):

Labcorp Genetics (formerly Invitae), Labcorp
Classification: Uncertain significance. Last evaluated: 2026-02-01. Review status: criteria provided, single submitter. Criteria: Invitae Variant Classification Sherloc (09022015). Collection method: clinical testing. Allele origin: germline.
Comment: This sequence change replaces tyrosine, which is neutral and polar, with cysteine, which is neutral and slightly polar, at codon 478 of the TNNI3K protein (p.Tyr478Cys). This variant is present in population databases (rs142079513, gnomAD 0.003%). This variant has not been reported in the literature in individuals affected with TNNI3K-related conditions. ClinVar contains an entry for this variant (Variation ID: 1514161). Invitae Evidence Modeling of protein sequence and biophysical properties (such as structural, functional, and spatial information, amino acid conservation, physicochemical variation, residue mobility, and thermodynamic stability) indicates that this missense variant is not expected to disrupt TNNI3K protein function with a negative predictive value of 80%. In summary, the available evidence is currently insufficient to determine the role of this variant in disease. Therefore, it has been classified as a Variant of Uncertain Significance.

Ambry Genetics
Classification: Uncertain significance for Inborn genetic diseases. Last evaluated: 2025-04-14. Review status: criteria provided, single submitter. Criteria: Ambry Variant Classification Scheme 2023. Collection method: clinical testing. Allele origin: germline.